The following is an entry in ClinVar:

ClinVar aggregate classification (germline): Uncertain significance (1 of 4 stars; one submission).

Conditions:
Hypercholesterolemia, autosomal dominant, type B (FHCL2). Also called: APOB-Related Familial Hypercholesterolemia, Autosomal Dominant; Familial Hypercholesterolemia Type B; APOLIPOPROTEIN B-100, FAMILIAL DEFECTIVE; APOLIPOPROTEIN B-100, FAMILIAL LIGAND-DEFECTIVE; HYPERCHOLESTEROLEMIA, FAMILIAL, DUE TO LIGAND-DEFECTIVE APOLIPOPROTEIN B; Hyperlipoproteinemia Type IIb. Identifiers: MedGen C1704417, MONDO:0007751, OMIM 144010.
Familial hypobetalipoproteinemia 1. Also called: Hypobetalipoproteinemia, normotriglyceridemic; Acanthocytosis with hypobetalipoproteinemia; APOB-Related Familial Hypobetalipoproteinemia. Identifiers: MedGen C4551990, MONDO:0014252, OMIM 615558.

Allele frequency attached by ClinVar (database versions not stated): TOPMed below 0.00001; gnomAD 0.00001.
gnomAD v4.1: 1 of 1,614,004 alleles (0.000062%); highest among the groups gnomAD compares: African/African-American, 0.0013%; no homozygotes.

Submission:

Labcorp Genetics (formerly Invitae), Labcorp
Classification: Uncertain significance for Familial hypobetalipoproteinemia 1; Hypercholesterolemia, autosomal dominant, type B. Last evaluated: 2023-11-01. Review status: criteria provided, single submitter. Criteria: Invitae Variant Classification Sherloc (09022015). Collection method: clinical testing. Allele origin: germline.
Comment: This sequence change replaces serine, which is neutral and polar, with threonine, which is neutral and polar, at codon 236 of the APOB protein (p.Ser236Thr). This variant is not present in population databases (gnomAD no frequency). This variant has not been reported in the literature in individuals affected with APOB-related conditions. Advanced modeling of protein sequence and biophysical properties (such as structural, functional, and spatial information, amino acid conservation, physicochemical variation, residue mobility, and thermodynamic stability) performed at Invitae indicates that this missense variant is not expected to disrupt APOB protein function with a negative predictive value of 95%. In summary, the available evidence is currently insufficient to determine the role of this variant in disease. Therefore, it has been classified as a Variant of Uncertain Significance.

NM_000384.3(APOB):c.706T>A (p.Ser236Thr)

Gene: APOB (apolipoprotein B; minus strand). Cytogenetic location: 2p24.1.
Variant type: single nucleotide variant.
Coding change: c.706T>A on transcript NM_000384.3 (MANE Select); coding-DNA position 706, T replaced by A.
Protein change: p.Ser236Thr; replaces serine 236 with threonine.
Molecular consequence: missense variant.
Genome position (GRCh38, 1-based): chr2:21,035,696, A>T on the plus strand (T>A on the coding strand, the complement: APOB is on the minus strand). VCF-style: chr2-21035696-A-T. GRCh37 (hg19) VCF-style: chr2-21258568-A-T.
Other names: short protein forms S236T.
Identifiers: ClinVar variation 2930395 (VCV002930395.3), dbSNP rs1663986692, ClinGen allele CA345961248.